The following is an entry in ClinVar:

ClinVar aggregate classification (germline): Uncertain significance (1 of 4 stars; one submission).

Conditions:
Hereditary cancer-predisposing syndrome. Also called: Neoplastic Syndromes, Hereditary; Tumor predisposition; Hereditary neoplastic syndrome; Hereditary Cancer Syndrome. Identifiers: Orphanet 140162, MedGen C0027672, MeSH D009386, MONDO:0015356.

Submission:

Ambry Genetics
Classification: Uncertain significance for Hereditary cancer-predisposing syndrome. Last evaluated: 2026-07-07. Review status: criteria provided, single submitter. Criteria: Ambry Variant Classification Scheme 2023. Collection method: clinical testing. Allele origin: germline.
Comment: The p.A89S variant (also known as c.265G>T), located in coding exon 5 of the SDHC gene, results from a G to T substitution at nucleotide position 265. The alanine at codon 89 is replaced by serine, an amino acid with similar properties. This amino acid position is conserved. In addition, the in silico prediction for this alteration is inconclusive. Based on the available evidence, the clinical significance of this variant remains unclear.

NM_003001.5(SDHC):c.265G>T (p.Ala89Ser)

Gene: SDHC (succinate dehydrogenase complex subunit C; plus strand). Cytogenetic location: 1q23.3.
Variant type: single nucleotide variant.
Coding change: c.265G>T on transcript NM_003001.5 (MANE Select); coding-DNA position 265, G replaced by T.
Protein change: p.Ala89Ser; replaces alanine 89 with serine.
Molecular consequence: missense variant. On other transcripts: non-coding transcript variant (1), intron variant (3).
Genome position (GRCh38, 1-based): chr1:161,356,700, G>T. VCF-style: chr1-161356700-G-T. GRCh37 (hg19) VCF-style: chr1-161326490-G-T.
Other names: c.163G>T, p.Ala55Ser (NM_001035512.3); c.106G>T, p.Ala36Ser (NM_001035513.3); c.385G>T, p.Ala129Ser (NM_001407115.1); c.208G>T, p.Ala70Ser (NM_001407116.1); c.202G>T, p.Ala68Ser (NM_001407117.1); c.157G>T, p.Ala53Ser (NM_001407118.1); c.154G>T, p.Ala52Ser (NM_001407119.1, NM_001407120.1); c.242-5629G>T (NM_001035511.3); and 2 more; short protein forms A36S, A52S, A68S, A89S, A70S, A129S, A53S, A55S.
Identifiers: ClinVar variation 5029331 (VCV005029331.1).